The following is an entry in ClinVar:

NM_001370259.2(MEN1):c.132G>A (p.Val44=)

Gene: MEN1 (menin 1; minus strand). Cytogenetic location: 11q13.1.
Variant type: single nucleotide variant.
Coding change: c.132G>A on transcript NM_001370259.2 (MANE Select); coding-DNA position 132, G replaced by A.
Protein change: p.Val44=; no amino-acid change (valine 44 retained).
Molecular consequence: synonymous variant. On other transcripts: non-coding transcript variant (4).
Genome position (GRCh38, 1-based): chr11:64,809,978, C>T on the plus strand (G>A on the coding strand, the complement: MEN1 is on the minus strand). VCF-style: chr11-64809978-C-T. GRCh37 (hg19) VCF-style: chr11-64577450-C-T.
Other names: NC_000011.9:g.64577450C>T; c.132G>A, p.Val44= (NM_000244.4, NM_001370251.2, NM_001370260.2 and 20 more transcripts).
Identifiers: ClinVar variation 3773429 (VCV003773429.2).

ClinVar aggregate classification (germline): Benign (1 of 4 stars; one submission).

Conditions:
Multiple endocrine neoplasia, type 1 (MEN1). Also called: MEN I; WERMER SYNDROME; Endocrine adenomatosis multiple; MEN 1; MEA I. Identifiers: Orphanet 652, MedGen C0025267, MeSH D018761, MONDO:0007540, OMIM 131100.

Submissions (2):

Myriad Genetics, Inc.
Classification: Benign for Multiple endocrine neoplasia, type 1. Last evaluated: 2024-10-31. Review status: criteria provided, single submitter. Criteria: Myriad Autosomal Dominant, Autosomal Recessive and X-Linked Classification Criteria (2023). Collection method: clinical testing. Allele origin: unknown.
Comment: This variant is considered benign. This variant is a silent/synonymous amino acid change and it is not expected to impact splicing.

Dr. Peter K. Rogan Lab, Western University
No classification provided (evidence only). Condition: Thyroid cancer, nonmedullary, 1. Review status: no classification provided. Collection method: in vitro. Allele origin: not applicable. Functional consequence: retained intron. Not counted in ClinVar's aggregate classification.